The following is an entry in ClinVar:

NM_016222.4(DDX41):c.655C>G (p.Arg219Gly)

Gene: DDX41 (DEAD-box helicase 41; minus strand). Cytogenetic location: 5q35.3.
Variant type: single nucleotide variant.
Coding change: c.655C>G on transcript NM_016222.4 (MANE Select); coding-DNA position 655, C replaced by G.
Protein change: p.Arg219Gly; replaces arginine 219 with glycine.
Molecular consequence: missense variant.
Genome position (GRCh38, 1-based): chr5:177,515,059, G>C on the plus strand (C>G on the coding strand, the complement: DDX41 is on the minus strand). VCF-style: chr5-177515059-G-C. GRCh37 (hg19) VCF-style: chr5-176942060-G-C.
Other names: c.277C>G, p.Arg93Gly (NM_001321732.2, NM_001321830.2); short protein forms R93G, R219G.
Identifiers: ClinVar variation 4238740 (VCV004238740.1).

ClinVar aggregate classification (germline): Uncertain significance (1 of 4 stars; one submission).

Conditions:
Inborn genetic diseases. Identifiers: MedGen C0950123, MeSH D030342.

gnomAD v4.1: 1 of 1,612,846 alleles (0.000062%); highest among the groups gnomAD compares: South Asian, 0.0011%; no homozygotes.

Submission:

Ambry Genetics
Classification: Uncertain significance for Inborn genetic diseases. Last evaluated: 2025-06-27. Review status: criteria provided, single submitter. Criteria: Ambry Variant Classification Scheme 2023. Collection method: clinical testing. Allele origin: germline.
Comment: The p.R219G variant (also known as c.655C>G), located in coding exon 8 of the DDX41 gene, results from a C to G substitution at nucleotide position 655. The arginine at codon 219 is replaced by glycine, an amino acid with dissimilar properties. This amino acid position is conserved. In addition, the in silico prediction for this alteration is inconclusive. Based on the available evidence, the clinical significance of this variant remains unclear.